The following is an entry in ClinVar:

NM_014712.3(SETD1A):c.5100G>C (p.Glu1700Asp)

Gene: SETD1A (SET domain containing 1A, histone lysine methyltransferase; plus strand). Cytogenetic location: 16p11.2.
Variant type: single nucleotide variant.
Coding change: c.5100G>C on transcript NM_014712.3 (MANE Select); coding-DNA position 5100, G replaced by C.
Protein change: p.Glu1700Asp; replaces glutamic acid 1700 with aspartic acid.
Molecular consequence: missense variant.
Genome position (GRCh38, 1-based): chr16:30,983,999, G>C. VCF-style: chr16-30983999-G-C. GRCh37 (hg19) VCF-style: chr16-30995320-G-C.
Other names: short protein forms E1700D.
Identifiers: ClinVar variation 4688026 (VCV004688026.1).

ClinVar aggregate classification (germline): Likely benign (1 of 4 stars; one submission).

Conditions:
Neurodevelopmental disorder with speech impairment and dysmorphic facies. Identifiers: MedGen C5436699, MONDO:0033630, OMIM 619056.

Submission:

Centre for Medical Genetics,  Mumbai
Classification: Likely benign for Neurodevelopmental disorder with speech impairment and dysmorphic facies. Last evaluated: 2026-01-29. Review status: criteria provided, single submitter. Criteria: ACMG Guidelines, 2015. Collection method: provider interpretation. Allele origin: germline. Inheritance: Autosomal dominant inheritance. Affected: no. Observed: 1 heterozygote.
Comment: The variant satisfies PM2 criteria; Extremely low frequency in gnomAD population databases. However, the variant satisfies BS2 criteria.

Literature cited by the submitters: PubMed 32346159.